The following is an entry in ClinVar:

ClinVar aggregate classification (germline): Uncertain significance (1 of 4 stars; one submission).

Conditions:
Developmental and epileptic encephalopathy, 32 (DEE32). Also called: Epileptic encephalopathy, early infantile, 32. Identifiers: Orphanet 442835, MedGen C4225350, MONDO:0014607, OMIM 616366.

Allele frequency attached by ClinVar (database versions not stated): TOPMed below 0.00001; gnomAD 0.00001.

Submission:

Labcorp Genetics (formerly Invitae), Labcorp
Classification: Uncertain significance for Developmental and epileptic encephalopathy, 32. Last evaluated: 2022-12-15. Review status: criteria provided, single submitter. Criteria: Invitae Variant Classification Sherloc (09022015). Collection method: clinical testing. Allele origin: germline.
Comment: In summary, the available evidence is currently insufficient to determine the role of this variant in disease. Therefore, it has been classified as a Variant of Uncertain Significance. Advanced modeling of protein sequence and biophysical properties (such as structural, functional, and spatial information, amino acid conservation, physicochemical variation, residue mobility, and thermodynamic stability) performed at Invitae indicates that this missense variant is not expected to disrupt KCNA2 protein function. ClinVar contains an entry for this variant (Variation ID: 1008882). This variant has not been reported in the literature in individuals affected with KCNA2-related conditions. This variant is not present in population databases (gnomAD no frequency). This sequence change replaces proline, which is neutral and non-polar, with leucine, which is neutral and non-polar, at codon 8 of the KCNA2 protein (p.Pro8Leu).

NM_004974.4(KCNA2):c.23C>T (p.Pro8Leu)

Gene: KCNA2 (potassium voltage-gated channel subfamily A member 2; minus strand). Cytogenetic location: 1p13.3.
Variant type: single nucleotide variant.
Coding change: c.23C>T on transcript NM_004974.4 (MANE Select); coding-DNA position 23, C replaced by T.
Protein change: p.Pro8Leu; replaces proline 8 with leucine.
Molecular consequence: missense variant.
Genome position (GRCh38, 1-based): chr1:110,604,760, G>A on the plus strand (C>T on the coding strand, the complement: KCNA2 is on the minus strand). VCF-style: chr1-110604760-G-A. GRCh37 (hg19) VCF-style: chr1-111147382-G-A.
Other names: c.23C>T, p.Pro8Leu (NM_001204269.2); short protein forms P8L.
Identifiers: ClinVar variation 1008882 (VCV001008882.11), dbSNP rs1487522107, ClinGen allele CA341607420.